The following is an entry in ClinVar:

ClinVar aggregate classification (germline): Uncertain significance. Review status: criteria provided, multiple submitters, no conflicts (2 of 4 stars). 5 submissions from 5 submitters: Uncertain significance (5). Last evaluated 2025-09-14.

Conditions:
Familial cancer of breast. Also called: hereditary breast carcinoma; BREAST CANCER, FAMILIAL; Hereditary breast cancer. Identifiers: Orphanet 227535, MedGen C0346153, MONDO:0016419, OMIM 114480. Disease mechanism: loss of function.
Breast-ovarian cancer, familial, susceptibility to, 2 (BROVCA2). Also called: BRCA2 Hereditary Breast and Ovarian Cancer. Identifiers: Orphanet 145, MedGen C2675520, MONDO:0012933, OMIM 612555. Disease mechanism: loss of function.
Wilms tumor 1 (WT1). Also called: Wilms tumor, somatic. Identifiers: Orphanet 654, MedGen CN033288, MONDO:0008679, OMIM 194070.
Pancreatic cancer, susceptibility to, 2. Identifiers: Orphanet 1333, MedGen C3150546, MONDO:0013235, OMIM 613347.
Glioma susceptibility 3 (GLM3). Also called: Glioblastoma 3. Identifiers: Orphanet 182067, Orphanet 360, MedGen C2751641, MONDO:0013093, OMIM 613029.
Familial prostate cancer. Also called: Hereditary Prostate Cancer. Identifiers: MedGen C2931456, MONDO:0700275, OMIM 176807.
Fanconi anemia complementation group D1. Also called: BRCA2-Related Fanconi Anemia. Identifiers: Orphanet 319462, MedGen C1838457, MONDO:0011584, OMIM 605724.
Medulloblastoma (MDB). Also called: Medulloblastoma, somatic; MEDULLOBLASTOMA PREDISPOSITION SYNDROME. Identifiers: Orphanet 616, MedGen C0025149, MeSH D008527, MONDO:0007959, OMIM 155255, HP:0002885.
Hereditary cancer-predisposing syndrome. Also called: Neoplastic Syndromes, Hereditary; Tumor predisposition; Hereditary neoplastic syndrome; Hereditary Cancer Syndrome. Identifiers: Orphanet 140162, MedGen C0027672, MeSH D009386, MONDO:0015356.
Hereditary breast ovarian cancer syndrome. Also called: Hereditary breast and ovarian cancer syndrome; Hereditary breast and ovarian cancer syndrome (HBOC); Breast and ovarian cancer; BRCA1- and BRCA2-Associated Hereditary Breast and Ovarian Cancer; Hereditary breast and/or ovarian cancer syndrome; Hereditary breast and ovarian cancer. Identifiers: Orphanet 145, MedGen C0677776, MeSH D061325, MONDO:0003582. Disease mechanism: loss of function.

Allele frequency attached by ClinVar (database versions not stated): gnomAD exomes below 0.00001; ExAC 0.00001; ESP Exome Variant Server 0.00008.
gnomAD v4.1: 1 of 1,614,138 alleles (0.000062%); highest among the groups gnomAD compares: Non-Finnish European, 0.000085%; no homozygotes.

Submissions (5):

Ambry Genetics
Classification: Uncertain significance for Hereditary cancer-predisposing syndrome. Last evaluated: 2025-09-14. Review status: criteria provided, single submitter. Criteria: Ambry Variant Classification Scheme 2023. Collection method: clinical testing. Allele origin: germline.
Comment: The p.L3344V variant (also known as c.10030C>G), located in coding exon 26 of the BRCA2 gene, results from a C to G substitution at nucleotide position 10030. The leucine at codon 3344 is replaced by valine, an amino acid with highly similar properties. This amino acid position is highly conserved in available vertebrate species. In addition, this alteration is predicted to be tolerated by in silico analysis. Since supporting evidence is limited at this time, the clinical significance of this alteration remains unclear.

Color Diagnostics, LLC DBA Color Health
Classification: Uncertain significance for Hereditary cancer-predisposing syndrome. Last evaluated: 2025-07-21. Review status: criteria provided, single submitter. Criteria: ACMG Guidelines, 2015. Collection method: clinical testing. Allele origin: germline.
Comment: This missense variant replaces leucine with valine at codon 3344 of the BRCA2 protein. Computational prediction suggests that this variant may not impact protein structure and function. To our knowledge, functional studies have not been reported for this variant. This variant has not been reported in individuals affected with BRCA2-related disorders in the literature. This variant has been identified in 1/251056 chromosomes in the general population by the Genome Aggregation Database (gnomAD). The available evidence is insufficient to determine the role of this variant in disease conclusively. Therefore, this variant is classified as a Variant of Uncertain Significance.

Labcorp Genetics (formerly Invitae), Labcorp
Classification: Uncertain significance for Hereditary breast ovarian cancer syndrome. Last evaluated: 2025-03-14. Review status: criteria provided, single submitter. Criteria: Invitae Variant Classification Sherloc (09022015). Collection method: clinical testing. Allele origin: germline.
Comment: This sequence change replaces leucine, which is neutral and non-polar, with valine, which is neutral and non-polar, at codon 3344 of the BRCA2 protein (p.Leu3344Val). This variant is present in population databases (rs377155248, gnomAD 0.0009%). This variant has not been reported in the literature in individuals affected with BRCA2-related conditions. ClinVar contains an entry for this variant (Variation ID: 230604). Invitae Evidence Modeling of protein sequence and biophysical properties (such as structural, functional, and spatial information, amino acid conservation, physicochemical variation, residue mobility, and thermodynamic stability) indicates that this missense variant is not expected to disrupt BRCA2 protein function with a negative predictive value of 95%. In summary, the available evidence is currently insufficient to determine the role of this variant in disease. Therefore, it has been classified as a Variant of Uncertain Significance.

Quest Diagnostics Nichols Institute San Juan Capistrano
Classification: Uncertain significance. Last evaluated: 2024-11-08. Review status: criteria provided, single submitter. Criteria: Quest Diagnostics criteria. Collection method: clinical testing. Allele origin: unknown.
Comment: The BRCA2 c.10030C>G (p.Leu3344Val) variant has been reported in the published literature in an individual with a personal and/or family history of cancer (PMID: 31853058 (2020)). The frequency of this variant in the general population, 0.000004 (1/251056 chromosomes (Genome Aggregation Database)), is uninformative in the assessment of its pathogenicity. Analysis of this variant using bioinformatics tools for the prediction of the effect of amino acid changes on protein structure and function yielded conflicting predictions that this variant is benign or damaging. Based on the available information, we are unable to determine the clinical significance of this variant.

Fulgent Genetics
Classification: Uncertain significance for Familial cancer of breast; Medulloblastoma; Familial prostate cancer; Wilms tumor 1; Fanconi anemia complementation group D1; Breast-ovarian cancer, familial, susceptibility to, 2; Glioma susceptibility 3; Pancreatic cancer, susceptibility to, 2. Last evaluated: 2024-05-21. Review status: criteria provided, single submitter. Criteria: ACMG Guidelines, 2015. Collection method: clinical testing. Allele origin: germline.

Literature cited by the submitters: PubMed 31853058 (cited by Quest Diagnostics Nichols Institute San Juan Capistrano).

NM_000059.4(BRCA2):c.10030C>G (p.Leu3344Val)

Gene: BRCA2 (BRCA2 DNA repair associated; plus strand). Cytogenetic location: 13q13.1.
Variant type: single nucleotide variant.
Coding change: c.10030C>G on transcript NM_000059.4 (MANE Select); coding-DNA position 10030, C replaced by G.
Protein change: p.Leu3344Val; replaces leucine 3344 with valine.
Molecular consequence: missense variant.
Genome position (GRCh38, 1-based): chr13:32,398,543, C>G. VCF-style: chr13-32398543-C-G. GRCh37 (hg19) VCF-style: chr13-32972680-C-G.
Other names: short protein forms L3344V.
Identifiers: ClinVar variation 230604 (VCV000230604.17), dbSNP rs377155248, ClinGen allele CA6941465.
Genomic context (GRCh38, chr13:32,398,543, plus strand): 5'-CCATTTAAAAAATTCAATGAAATTTCTCTTTTGGAAAGTAATTCAATAGCTGACGAAGAA[C>G]TTGCATTGATAAATACCCAAGCTCTTTTGTCTGGTTCAACAGGAGAAAAACAATTTATAT-3'
Protein context (NP_000050.3, residues 3334-3354): LESNSIADEE[Leu3344Val]ALINTQALLS